The following is an entry in ClinVar:

NM_001482.3(GATM):c.792T>G (p.Asp264Glu)

Gene: GATM (glycine amidinotransferase; minus strand). Cytogenetic location: 15q21.1.
Variant type: single nucleotide variant.
Coding change: c.792T>G on transcript NM_001482.3 (MANE Select); coding-DNA position 792, T replaced by G.
Protein change: p.Asp264Glu; replaces aspartic acid 264 with glutamic acid.
Molecular consequence: missense variant.
Genome position (GRCh38, 1-based): chr15:45,366,392, A>C on the plus strand (T>G on the coding strand, the complement: GATM is on the minus strand). VCF-style: chr15-45366392-A-C. GRCh37 (hg19) VCF-style: chr15-45658590-A-C.
Other names: c.405T>G, p.Asp135Glu (NM_001321015.2); short protein forms D135E, D264E.
Identifiers: ClinVar variation 2847160 (VCV002847160.3), dbSNP rs1174673551, ClinGen allele CA392258627.

ClinVar aggregate classification (germline): Uncertain significance (1 of 4 stars; one submission).

Conditions:
Arginine:glycine amidinotransferase deficiency (CCDS3). Also called: L-Arginine:Glycine Amidinotransferase (AGAT) Deficiency; AGAT deficiency; L-Arginine:Glycine Amidinotransferase Deficiency; Creatine deficiency syndrome due to AGAT deficiency; GATM deficiency; Cerebral creatine deficiency syndrome 3. Identifiers: Orphanet 35704, MedGen C2675179, MONDO:0012996, OMIM 612718.

Allele frequency attached by ClinVar (database versions not stated): gnomAD 0.00001; TOPMed 0.00001.
gnomAD v4.1: 4 of 1,614,082 alleles (0.00025%); highest among the groups gnomAD compares: Non-Finnish European, 0.00034%; no homozygotes.

Submission:

Labcorp Genetics (formerly Invitae), Labcorp
Classification: Uncertain significance for Arginine:glycine amidinotransferase deficiency. Last evaluated: 2023-04-18. Review status: criteria provided, single submitter. Criteria: Invitae Variant Classification Sherloc (09022015). Collection method: clinical testing. Allele origin: germline.
Comment: In summary, the available evidence is currently insufficient to determine the role of this variant in disease. Therefore, it has been classified as a Variant of Uncertain Significance. Advanced modeling of protein sequence and biophysical properties (such as structural, functional, and spatial information, amino acid conservation, physicochemical variation, residue mobility, and thermodynamic stability) performed at Invitae indicates that this missense variant is expected to disrupt GATM protein function. This variant has not been reported in the literature in individuals affected with GATM-related conditions. This variant is not present in population databases (gnomAD no frequency). This sequence change replaces aspartic acid, which is acidic and polar, with glutamic acid, which is acidic and polar, at codon 264 of the GATM protein (p.Asp264Glu).